The following is an entry in ClinVar:

ClinVar aggregate classification (germline): Uncertain significance (1 of 4 stars; one submission).

Submission:

Labcorp Genetics (formerly Invitae), Labcorp
Classification: Uncertain significance. Last evaluated: 2022-05-25. Review status: criteria provided, single submitter. Criteria: Invitae Variant Classification Sherloc (09022015). Collection method: clinical testing. Allele origin: germline.
Comment: In summary, the available evidence is currently insufficient to determine the role of this variant in disease. Therefore, it has been classified as a Variant of Uncertain Significance. Advanced modeling of protein sequence and biophysical properties (such as structural, functional, and spatial information, amino acid conservation, physicochemical variation, residue mobility, and thermodynamic stability) performed at Invitae indicates that this missense variant is expected to disrupt FBXL4 protein function. This variant has not been reported in the literature in individuals affected with FBXL4-related conditions. This variant is not present in population databases (gnomAD no frequency). This sequence change replaces aspartic acid, which is acidic and polar, with tyrosine, which is neutral and polar, at codon 511 of the FBXL4 protein (p.Asp511Tyr).

NM_001278716.2(FBXL4):c.1531G>T (p.Asp511Tyr)

Gene: FBXL4 (F-box and leucine rich repeat protein 4; minus strand). Cytogenetic location: 6q16.1.
Variant type: single nucleotide variant.
Coding change: c.1531G>T on transcript NM_001278716.2 (MANE Select); coding-DNA position 1531, G replaced by T.
Protein change: p.Asp511Tyr; replaces aspartic acid 511 with tyrosine.
Molecular consequence: missense variant. On other transcripts: non-coding transcript variant (1).
Genome position (GRCh38, 1-based): chr6:98,875,586, C>A on the plus strand (G>T on the coding strand, the complement: FBXL4 is on the minus strand). VCF-style: chr6-98875586-C-A. GRCh37 (hg19) VCF-style: chr6-99323462-C-A.
Other names: c.1531G>T, p.Asp511Tyr (NM_012160.5); short protein forms D511Y.
Identifiers: ClinVar variation 1998587 (VCV001998587.4), dbSNP rs1770631804, ClinGen allele CA16021262.